The following is an entry in ClinVar:

NM_001278512.2(AP3B2):c.46G>A (p.Gly16Ser)

Gene: AP3B2 (adaptor related protein complex 3 subunit beta 2; minus strand). Cytogenetic location: 15q25.2.
Variant type: single nucleotide variant.
Coding change: c.46G>A on transcript NM_001278512.2 (MANE Select); coding-DNA position 46, G replaced by A.
Protein change: p.Gly16Ser; replaces glycine 16 with serine.
Molecular consequence: missense variant.
Genome position (GRCh38, 1-based): chr15:82,709,661, C>T on the plus strand (G>A on the coding strand, the complement: AP3B2 is on the minus strand). VCF-style: chr15-82709661-C-T. GRCh37 (hg19) VCF-style: chr15-83378413-C-T.
Other names: c.46G>A, p.Gly16Ser (NM_001278511.2, NM_001348440.2, NM_004644.5); short protein forms G16S.
Identifiers: ClinVar variation 1994779 (VCV001994779.4), dbSNP rs2548729984, ClinGen allele CA393307666.

ClinVar aggregate classification (germline): Uncertain significance (1 of 4 stars; one submission).

Submission:

Labcorp Genetics (formerly Invitae), Labcorp
Classification: Uncertain significance. Last evaluated: 2022-05-25. Review status: criteria provided, single submitter. Criteria: Invitae Variant Classification Sherloc (09022015). Collection method: clinical testing. Allele origin: germline.
Comment: This variant is not present in population databases (gnomAD no frequency). This sequence change replaces glycine, which is neutral and non-polar, with serine, which is neutral and polar, at codon 16 of the AP3B2 protein (p.Gly16Ser). This variant has not been reported in the literature in individuals affected with AP3B2-related conditions. Algorithms developed to predict the effect of missense changes on protein structure and function output the following: SIFT: "Tolerated"; PolyPhen-2: "Benign"; Align-GVGD: "Class C0". The serine amino acid residue is found in multiple mammalian species, which suggests that this missense change does not adversely affect protein function. In summary, the available evidence is currently insufficient to determine the role of this variant in disease. Therefore, it has been classified as a Variant of Uncertain Significance.